The following is an entry in ClinVar:

ClinVar aggregate classification (germline): Uncertain significance (1 of 4 stars; one submission).

Conditions:
Hereditary spastic paraplegia 4. Also called: Spastic Paraplegia 4; Spastic paraplegia 4, autosomal dominant; Familial spastic paraplegia autosomal dominant 2. Identifiers: Orphanet 100985, MedGen C1866855, MONDO:0008438, OMIM 182601.

Allele frequency attached by ClinVar (database versions not stated): gnomAD exomes below 0.00001; ExAC 0.00001.

Submission:

Labcorp Genetics (formerly Invitae), Labcorp
Classification: Uncertain significance for Hereditary spastic paraplegia 4. Last evaluated: 2025-12-31. Review status: criteria provided, single submitter. Criteria: Invitae Variant Classification Sherloc (09022015). Collection method: clinical testing. Allele origin: germline.
Comment: This sequence change replaces proline, which is neutral and non-polar, with alanine, which is neutral and non-polar, at codon 304 of the SPAST protein (p.Pro304Ala). This variant is present in population databases (rs754478733, gnomAD 0.003%). This variant has not been reported in the literature in individuals affected with SPAST-related conditions. ClinVar contains an entry for this variant (Variation ID: 2888687). Invitae Evidence Modeling of protein sequence and biophysical properties (such as structural, functional, and spatial information, amino acid conservation, physicochemical variation, residue mobility, and thermodynamic stability) indicates that this missense variant is not expected to disrupt SPAST protein function with a negative predictive value of 80%. In summary, the available evidence is currently insufficient to determine the role of this variant in disease. Therefore, it has been classified as a Variant of Uncertain Significance.

NM_014946.4(SPAST):c.910C>G (p.Pro304Ala)

Gene: SPAST (spastin; plus strand). Cytogenetic location: 2p22.3.
Variant type: single nucleotide variant.
Coding change: c.910C>G on transcript NM_014946.4 (MANE Select); coding-DNA position 910, C replaced by G.
Protein change: p.Pro304Ala; replaces proline 304 with alanine.
Molecular consequence: missense variant.
Genome position (GRCh38, 1-based): chr2:32,115,741, C>G. VCF-style: chr2-32115741-C-G. GRCh37 (hg19) VCF-style: chr2-32340810-C-G.
Other names: c.907C>G, p.Pro303Ala (NM_001363823.2); c.811C>G, p.Pro271Ala (NM_001363875.2); c.814C>G, p.Pro272Ala (NM_001377959.1, NM_199436.2); short protein forms P304A, P271A, P272A, P303A.
Identifiers: ClinVar variation 2888687 (VCV002888687.3), dbSNP rs754478733, ClinGen allele CA1600740.